The following is an entry in ClinVar:

ClinVar aggregate classification (germline): Uncertain significance (1 of 4 stars; one submission).

Allele frequency attached by ClinVar (database versions not stated): gnomAD exomes below 0.00001.
gnomAD v4.1: 5 of 1,613,244 alleles (0.00031%); highest among the groups gnomAD compares: Non-Finnish European, 0.00017%; no homozygotes.

Submission:

Labcorp Genetics (formerly Invitae), Labcorp
Classification: Uncertain significance. Last evaluated: 2022-08-23. Review status: criteria provided, single submitter. Criteria: Invitae Variant Classification Sherloc (09022015). Collection method: clinical testing. Allele origin: germline.
Comment: In summary, the available evidence is currently insufficient to determine the role of this variant in disease. Therefore, it has been classified as a Variant of Uncertain Significance. Algorithms developed to predict the effect of missense changes on protein structure and function (SIFT, PolyPhen-2, Align-GVGD) all suggest that this variant is likely to be disruptive. This variant has not been reported in the literature in individuals affected with RTTN-related conditions. This variant is not present in population databases (gnomAD no frequency). This sequence change replaces histidine, which is basic and polar, with tyrosine, which is neutral and polar, at codon 1335 of the RTTN protein (p.His1335Tyr).

NM_173630.4(RTTN):c.4003C>T (p.His1335Tyr)

Gene: RTTN (rotatin; minus strand). Cytogenetic location: 18q22.2.
Variant type: single nucleotide variant.
Coding change: c.4003C>T on transcript NM_173630.4 (MANE Select); coding-DNA position 4003, C replaced by T.
Protein change: p.His1335Tyr; replaces histidine 1335 with tyrosine.
Molecular consequence: missense variant.
Genome position (GRCh38, 1-based): chr18:70,092,705, G>A on the plus strand (C>T on the coding strand, the complement: RTTN is on the minus strand). VCF-style: chr18-70092705-G-A. GRCh37 (hg19) VCF-style: chr18-67759941-G-A.
Other names: c.1267C>T, p.His423Tyr (NM_001318520.2); short protein forms H1335Y, H423Y.
Identifiers: ClinVar variation 1912251 (VCV001912251.5), dbSNP rs2512265130, ClinGen allele CA402685906.